The following is an entry in ClinVar:

NM_182641.4(BPTF):c.6558dup (p.Thr2187fs)

Gene: BPTF (bromodomain PHD finger transcription factor; plus strand). Cytogenetic location: 17q24.2.
Variant type: Duplication.
Coding change: c.6558dup on transcript NM_182641.4 (MANE Select); coding-DNA position 6558, one base duplicated (G; older notation c.6558dupG).
Protein change: p.Thr2187fs; shifts the reading frame from threonine 2187.
Molecular consequence: frameshift variant.
Genome position (GRCh38, 1-based): chr17:67,944,230, G duplicated. VCF-style (leftmost placement, unchanged base first): chr17-67944229-T-TG. GRCh37 (hg19) VCF-style: chr17-65940345-T-TG.
Other names: c.6747dup, p.Thr2250fs (NM_001439139.1, NM_001439143.1, NM_001439144.1); c.6936dup, p.Thr2313fs (NM_001439140.1, NM_001439142.1, NM_004459.7); c.6909dup, p.Thr2304fs (NM_001439141.1); short protein forms T2187fs, T2250fs, T2304fs, T2313fs.
Identifiers: ClinVar variation 4857414 (VCV004857414.1).
Genomic context (GRCh38, chr17:67,944,229, plus strand): 5'-CAGTAGTAATTCAAGGACAAGGTCAAACTACTGGACAGTTGCAGTTGATACCTCAAGGGG[T>TG]GACTGTACTCCCAGGCCCAGGCCAGCAGCTAATGCAAGCTGCAATGCCAAATGGTACTGT-3'

ClinVar aggregate classification (germline): Pathogenic (1 of 4 stars; one submission).

Conditions:
Neurodevelopmental disorder with dysmorphic facies and distal limb anomalies. Identifiers: Orphanet 686482, MedGen C4540327, MONDO:0060596, OMIM 617755.

Submission:

Institute of Human Genetics, University of Leipzig Medical Center
Classification: Pathogenic for Neurodevelopmental disorder with dysmorphic facies and distal limb anomalies. Last evaluated: 2026-05-22. Review status: criteria provided, single submitter. Criteria: ACMG Guidelines, 2015. Collection method: clinical testing. Allele origin: unknown. Inheritance: Autosomal dominant inheritance. Affected: yes.
Comment: Criteria applied: PVS1,PM2